The following is an entry in ClinVar:

ClinVar aggregate classification (germline): Uncertain significance (1 of 4 stars; one submission).

gnomAD v4.1: 4 of 1,574,176 alleles (0.00025%); highest among the groups gnomAD compares: Non-Finnish European, 0.00034%; no homozygotes.

Submission:

Ambry Genetics
Classification: Uncertain significance. Last evaluated: 2025-04-18. Review status: criteria provided, single submitter. Criteria: Ambry Variant Classification Scheme 2023. Collection method: clinical testing. Allele origin: germline.
Comment: The p.A147V variant (also known as c.440C>T), located in coding exon 1 of the WNK2 gene, results from a C to T substitution at nucleotide position 440. The alanine at codon 147 is replaced by valine, an amino acid with similar properties. This amino acid position is conserved. In addition, this alteration is predicted to be tolerated by in silico analysis. Based on the available evidence, the clinical significance of this variant remains unclear.

NM_006648.4(WNK2):c.440C>T (p.Ala147Val)

Gene: WNK2 (WNK lysine deficient protein kinase 2; plus strand). Cytogenetic location: 9q22.31.
Variant type: single nucleotide variant.
Coding change: c.440C>T on transcript NM_006648.4 (MANE Select); coding-DNA position 440, C replaced by T.
Protein change: p.Ala147Val; replaces alanine 147 with valine.
Molecular consequence: missense variant.
Genome position (GRCh38, 1-based): chr9:93,185,369, C>T. VCF-style: chr9-93185369-C-T. GRCh37 (hg19) VCF-style: chr9-95947651-C-T.
Other names: c.440C>T, p.Ala147Val (NM_001282394.3); short protein forms A147V.
Identifiers: ClinVar variation 3981899 (VCV003981899.1).